The following is an entry in ClinVar:

NM_018341.3(ERMARD):c.727T>A (p.Leu243Met)

Gene: ERMARD (ER membrane associated RNA degradation; plus strand). Cytogenetic location: 6q27.
Variant type: single nucleotide variant.
Coding change: c.727T>A on transcript NM_018341.3 (MANE Select); coding-DNA position 727, T replaced by A.
Protein change: p.Leu243Met; replaces leucine 243 with methionine.
Molecular consequence: missense variant.
Genome position (GRCh38, 1-based): chr6:169,759,959, T>A. VCF-style: chr6-169759959-T-A. GRCh37 (hg19) VCF-style: chr6-170160055-T-A.
Other names: c.727T>A, p.Leu243Met (NM_001278531.2, NM_001278533.2); c.349T>A, p.Leu117Met (NM_001278532.2, NM_001410957.1); c.727T>A (NM_018341.1); short protein forms L117M, L243M.
Identifiers: ClinVar variation 1921679 (VCV001921679.6), dbSNP rs763405923, ClinGen allele CA4105957.
Genomic context (GRCh38, chr6:169,759,959, plus strand): 5'-CAAAACACTAAACTTACATTGGCACATCGCTCTTTCATATCTCTTACAAACCTCGAGGAT[T>A]TGATTGTTTTTCCTGGTAAGTACTATGTTTCACATTTTTCCTTATAGCTTTGCGTAGATA-3'
Protein context (NP_060811.1, residues 233-253): SFISLTNLED[Leu243Met]IVFPDVTYEV

ClinVar aggregate classification (germline): Uncertain significance. Review status: criteria provided, multiple submitters, no conflicts (2 of 4 stars). 2 submissions from 2 submitters: Uncertain significance (2). Last evaluated 2025-11-20.

Allele frequency attached by ClinVar (database versions not stated): ExAC 0.00001; gnomAD exomes 0.00001; TOPMed 0.00001.
gnomAD v4.1: 5 of 1,614,146 alleles (0.00031%); highest among the groups gnomAD compares: Admixed American, 0.0083%; no homozygotes.

Submissions (2):

Ambry Genetics
Classification: Uncertain significance. Last evaluated: 2025-11-20. Review status: criteria provided, single submitter. Criteria: Ambry Variant Classification Scheme 2023. Collection method: clinical testing. Allele origin: germline.

Labcorp Genetics (formerly Invitae), Labcorp
Classification: Uncertain significance. Last evaluated: 2022-01-19. Review status: criteria provided, single submitter. Criteria: Invitae Variant Classification Sherloc (09022015). Collection method: clinical testing. Allele origin: germline.
Comment: In summary, the available evidence is currently insufficient to determine the role of this variant in disease. Therefore, it has been classified as a Variant of Uncertain Significance. Algorithms developed to predict the effect of missense changes on protein structure and function are either unavailable or do not agree on the potential impact of this missense change (SIFT: "Tolerated"; PolyPhen-2: "Possibly Damaging"; Align-GVGD: "Class C0"). This variant has not been reported in the literature in individuals affected with ERMARD-related conditions. This variant is present in population databases (rs763405923, gnomAD 0.01%). This sequence change replaces leucine, which is neutral and non-polar, with methionine, which is neutral and non-polar, at codon 243 of the ERMARD protein (p.Leu243Met).